The following is an entry in ClinVar:

ClinVar aggregate classification (germline): Uncertain significance (1 of 4 stars; one submission).

Conditions:
PEX1-related disorder. Also called: PEX1-related condition.

gnomAD v4.1: 2 of 1,611,090 alleles (0.00012%); highest among the groups gnomAD compares: Non-Finnish European, 0.00017%; no homozygotes.

Submission:

PreventionGenetics, part of Exact Sciences
Classification: Uncertain significance for PEX1-related condition. Last evaluated: 2025-04-24. Review status: criteria provided, single submitter. Criteria: ACMG Guidelines, 2015. Collection method: clinical testing. Allele origin: germline.
Comment: The PEX1 c.1862A>G variant is predicted to result in the amino acid substitution p.Asp621Gly. To our knowledge, this variant has not been reported in the literature. This variant is reported in 0.00088% of alleles in individuals of European (Non-Finnish) descent in gnomAD. At this time, the clinical significance of this variant is uncertain due to the absence of conclusive functional and genetic evidence.

NM_000466.3(PEX1):c.1862A>G (p.Asp621Gly)

Gene: PEX1 (peroxisomal biogenesis factor 1; minus strand). Cytogenetic location: 7q21.2.
Variant type: single nucleotide variant.
Coding change: c.1862A>G on transcript NM_000466.3 (MANE Select); coding-DNA position 1862, A replaced by G.
Protein change: p.Asp621Gly; replaces aspartic acid 621 with glycine.
Molecular consequence: missense variant.
Genome position (GRCh38, 1-based): chr7:92,506,286, T>C on the plus strand (A>G on the coding strand, the complement: PEX1 is on the minus strand). VCF-style: chr7-92506286-T-C. GRCh37 (hg19) VCF-style: chr7-92135600-T-C.
Other names: c.1862A>G, p.Asp621Gly (NM_001282677.2); c.1238A>G, p.Asp413Gly (NM_001282678.2); short protein forms D413G, D621G.
Identifiers: ClinVar variation 4983896 (VCV004983896.1).